The following is an entry in ClinVar:

NM_014244.5(ADAMTS2):c.76_77insTCCTGC (p.Pro25_Pro26insLeuLeu)

Gene: ADAMTS2 (ADAM metallopeptidase with thrombospondin type 1 motif 2; minus strand). Cytogenetic location: 5q35.3.
Variant type: Insertion.
Coding change: c.76_77insTCCTGC on transcript NM_014244.5 (MANE Select); coding-DNA positions 76 to 77, TCCTGC inserted.
Protein change: p.Pro25_Pro26insLeuLeu.
Molecular consequence: inframe insertion.
Genome position: GRCh38 VCF-style: chr5-179345252-G-GGCAGGA. GRCh37 (hg19) VCF-style: chr5-178772253-G-GGCAGGA.
Other names: c.76_77insTCCTGC, p.Pro25_Pro26insLeuLeu (NM_021599.4); c.76_77insTCCTGC (NM_014244.4).
Identifiers: ClinVar variation 2084489 (VCV002084489.3), dbSNP rs1201240948, ClinGen allele CA565121225.

ClinVar aggregate classification (germline): Uncertain significance. Review status: criteria provided, multiple submitters, no conflicts (2 of 4 stars). 3 submissions from 3 submitters: Uncertain significance (2). 1 of the submissions does not count toward it. Last evaluated 2022-10-24.

Conditions:
Ehlers-Danlos syndrome, dermatosparaxis type. Also called: Ehlers-Danlos syndrome, type VII, autosomal recessive; Dermatosparaxis; EDS VIIC. Identifiers: Orphanet 1901, MedGen C2700425, MONDO:0009161, OMIM 225410.

Submissions (3):

GeneDx
Classification: Uncertain significance. Last evaluated: 2022-10-24. Review status: criteria provided, single submitter. Criteria: GeneDx Variant Classification Process June 2021. Collection method: clinical testing. Allele origin: germline. Affected: yes.
Comment: Not observed at significant frequency in large population cohorts (gnomAD); In-frame insertion of 2 amino acids in a repetitive region with no known function; Has not been previously published as pathogenic or benign to our knowledge

Labcorp Genetics (formerly Invitae), Labcorp
Classification: Uncertain significance for Ehlers-Danlos syndrome, dermatosparaxis type. Last evaluated: 2022-02-03. Review status: criteria provided, single submitter. Criteria: Invitae Variant Classification Sherloc (09022015). Collection method: clinical testing. Allele origin: germline.
Comment: This variant, c.76_77insTCCTGC, results in the insertion of 2 amino acid(s) of the ADAMTS2 protein (p.Pro25_Pro26insLeuLeu), but otherwise preserves the integrity of the reading frame. The frequency data for this variant in the population databases is considered unreliable, as metrics indicate poor data quality at this position in the gnomAD database. This variant has not been reported in the literature in individuals affected with ADAMTS2-related conditions. Experimental studies and prediction algorithms are not available or were not evaluated, and the functional significance of this variant is currently unknown. In summary, the available evidence is currently insufficient to determine the role of this variant in disease. Therefore, it has been classified as a Variant of Uncertain Significance.

Natera, Inc.
Classification: Uncertain significance for Ehlers-Danlos syndrome type VIIC. Last evaluated: 2025-05-19. Review status: no assertion criteria provided. Collection method: clinical testing. Allele origin: germline. Not counted in ClinVar's aggregate classification.